The following is an entry in ClinVar:

ClinVar aggregate classification (germline): Uncertain significance (1 of 4 stars; one submission).

Allele frequency attached by ClinVar (database versions not stated): TOPMed below 0.00001.

Submission:

Labcorp Genetics (formerly Invitae), Labcorp
Classification: Uncertain significance. Last evaluated: 2024-04-20. Review status: criteria provided, single submitter. Criteria: Invitae Variant Classification Sherloc (09022015). Collection method: clinical testing. Allele origin: germline.
Comment: This sequence change replaces arginine, which is basic and polar, with histidine, which is basic and polar, at codon 130 of the ADIPOR1 protein (p.Arg130His). This variant is not present in population databases (gnomAD no frequency). This variant has not been reported in the literature in individuals affected with ADIPOR1-related conditions. ClinVar contains an entry for this variant (Variation ID: 2073795). An algorithm developed to predict the effect of missense changes on protein structure and function (PolyPhen-2) suggests that this variant is likely to be disruptive. In summary, the available evidence is currently insufficient to determine the role of this variant in disease. Therefore, it has been classified as a Variant of Uncertain Significance.

NM_015999.6(ADIPOR1):c.389G>A (p.Arg130His)

Gene: ADIPOR1 (adiponectin receptor 1; minus strand). Cytogenetic location: 1q32.1.
Variant type: single nucleotide variant.
Coding change: c.389G>A on transcript NM_015999.6 (MANE Select); coding-DNA position 389, G replaced by A.
Protein change: p.Arg130His; replaces arginine 130 with histidine.
Molecular consequence: missense variant.
Genome position (GRCh38, 1-based): chr1:202,946,480, C>T on the plus strand (G>A on the coding strand, the complement: ADIPOR1 is on the minus strand). VCF-style: chr1-202946480-C-T. GRCh37 (hg19) VCF-style: chr1-202915608-C-T.
Other names: c.389G>A, p.Arg130His (NM_001127687.1, NM_001290553.2, NM_001290557.1 and 1 more transcripts); short protein forms R130H.
Identifiers: ClinVar variation 2073795 (VCV002073795.4), dbSNP rs956441099, ClinGen allele CA35606917.